The following is an entry in ClinVar:

ClinVar aggregate classification (germline): Uncertain significance. Review status: criteria provided, multiple submitters, no conflicts (2 of 4 stars). 2 submissions from 2 submitters: Uncertain significance (2). Last evaluated 2023-11-02.

Conditions:
Arrhythmogenic right ventricular dysplasia 5. Also called: Arrhythmogenic Right Ventricular Dysplasia/Cardiomyopathy 5; ARRHYTHMOGENIC RIGHT VENTRICULAR DYSPLASIA, FAMILIAL, 5. Identifiers: MedGen C1858379, MONDO:0011459, OMIM 604400.

Allele frequency attached by ClinVar (database versions not stated): gnomAD exomes below 0.00001.
gnomAD v4.1: 3 of 1,614,104 alleles (0.00019%); highest among the groups gnomAD compares: Non-Finnish European, 0.00025%; no homozygotes.

Submissions (2):

All of Us Research Program, National Institutes of Health
Classification: Uncertain significance for Arrhythmogenic right ventricular dysplasia 5. Last evaluated: 2023-11-02. Review status: criteria provided, single submitter. Criteria: ACMG Guidelines, 2015. Collection method: clinical testing. Allele origin: germline. Inheritance: Autosomal dominant inheritance. Observed: 1 variant allele, 1 heterozygote.
Comment: This missense variant replaces valine with alanine at codon 200 of the TMEM43 protein. Computational prediction suggests that this variant may not impact protein structure and function (internally defined REVEL score threshold <= 0.5, PMID: 27666373). To our knowledge, functional studies have not been reported for this variant. This variant has not been reported in individuals affected with TMEM43-related disorders in the literature. This variant has not been identified in the general population by the Genome Aggregation Database (gnomAD). The available evidence is insufficient to determine the role of this variant in disease conclusively. Therefore, this variant is classified as a Variant of Uncertain Significance.

This study involves interpretation of variants in research participants for the purpose of population health screening. Participant phenotype was not available at the time of variant classification. Additional details can be found in publication PMID: 35346344, PMCID: PMC8962531

Labcorp Genetics (formerly Invitae), Labcorp
Classification: Uncertain significance for Arrhythmogenic right ventricular dysplasia 5. Last evaluated: 2020-11-13. Review status: criteria provided, single submitter. Criteria: Invitae Variant Classification Sherloc (09022015). Collection method: clinical testing. Allele origin: germline.
Comment: This sequence change replaces valine with alanine at codon 200 of the TMEM43 protein (p.Val200Ala). The valine residue is weakly conserved and there is a small physicochemical difference between valine and alanine. This variant is not present in population databases (ExAC no frequency). This variant has not been reported in the literature in individuals with TMEM43-related conditions. Algorithms developed to predict the effect of missense changes on protein structure and function are either unavailable or do not agree on the potential impact of this missense change (SIFT: "Deleterious"; PolyPhen-2: "Benign"; Align-GVGD: "Class C0"). In summary, the available evidence is currently insufficient to determine the role of this variant in disease. Therefore, it has been classified as a Variant of Uncertain Significance.

NM_024334.3(TMEM43):c.599T>C (p.Val200Ala)

Gene: TMEM43 (transmembrane protein 43; plus strand). Cytogenetic location: 3p25.1.
Variant type: single nucleotide variant.
Coding change: c.599T>C on transcript NM_024334.3 (MANE Select); coding-DNA position 599, T replaced by C.
Protein change: p.Val200Ala; replaces valine 200 with alanine.
Molecular consequence: missense variant.
Genome position (GRCh38, 1-based): chr3:14,134,785, T>C. VCF-style: chr3-14134785-T-C. GRCh37 (hg19) VCF-style: chr3-14176285-T-C.
Other names: short protein forms V200A.
Identifiers: ClinVar variation 1484204 (VCV001484204.9), dbSNP rs2124990795, ClinGen allele CA351535459.